The following is an entry in ClinVar:

ClinVar aggregate classification (germline): Likely pathogenic. Review status: criteria provided, multiple submitters, no conflicts (2 of 4 stars). 2 submissions from 2 submitters: Likely pathogenic (2). Last evaluated 2025-01-16.

Conditions:
Autosomal recessive polycystic kidney disease (ARPKD). Also called: AR polycystic kidney disease. Identifiers: Orphanet 731, Orphanet 8378, MedGen C0085548, MeSH D017044, MONDO:0009889.

Allele frequency attached by ClinVar (database versions not stated): ExAC 0.00002.
gnomAD v4.1: 4 of 1,609,146 alleles (0.00025%); highest among the groups gnomAD compares: Non-Finnish European, 0.00034%; no homozygotes.

Submissions (2):

Natera, Inc.
Classification: Likely pathogenic for Autosomal recessive polycystic kidney disease. Last evaluated: 2025-01-16. Review status: criteria provided, single submitter. Criteria: Natera Variant Classification Schema (03/2026). Collection method: clinical testing. Allele origin: germline.
Comment: The c.6866-2A>T variant in PKHD1 is a canonical splice acceptor site variant predicted to affect pre-mRNA splicing, which may result in an abnormal transcript and altered protein product. This variant is expected to result in nonsense mediated decay, truncation, or a dysfunctional protein product. This variant is rare in the general population with a frequency below the threshold expected for the associated phenotype(s). Given the available evidence, this variant is classified as Likely Pathogenic.

Labcorp Genetics (formerly Invitae), Labcorp
Classification: Likely pathogenic for Autosomal recessive polycystic kidney disease. Last evaluated: 2023-05-05. Review status: criteria provided, single submitter. Criteria: Invitae Variant Classification Sherloc (09022015). Collection method: clinical testing. Allele origin: germline.
Comment: Algorithms developed to predict the effect of sequence changes on RNA splicing suggest that this variant may disrupt the consensus splice site. In summary, the currently available evidence indicates that the variant is pathogenic, but additional data are needed to prove that conclusively. Therefore, this variant has been classified as Likely Pathogenic. This variant has not been reported in the literature in individuals affected with PKHD1-related conditions. This variant is present in population databases (rs775684274, gnomAD 0.004%). This sequence change affects an acceptor splice site in intron 42 of the PKHD1 gene. It is expected to disrupt RNA splicing. Variants that disrupt the donor or acceptor splice site typically lead to a loss of protein function (PMID: 16199547), and loss-of-function variants in PKHD1 are known to be pathogenic (PMID: 19940839).

Literature cited by the submitters: PubMed 16199547 (cited by Labcorp Genetics (formerly Invitae), Labcorp); PubMed 19940839 (cited by Labcorp Genetics (formerly Invitae), Labcorp).

NM_138694.4(PKHD1):c.6866-2A>T

Gene: PKHD1 (PKHD1 ciliary IPT domain containing fibrocystin/polyductin; minus strand). Cytogenetic location: 6p12.2.
Variant type: single nucleotide variant.
Coding change: c.6866-2A>T on transcript NM_138694.4 (MANE Select); the canonical splice acceptor site of the intron before coding-DNA position 6866, A replaced by T.
Molecular consequence: splice acceptor variant.
Genome position (GRCh38, 1-based): chr6:51,903,729, T>A on the plus strand (A>T on the coding strand, the complement: PKHD1 is on the minus strand). VCF-style: chr6-51903729-T-A. GRCh37 (hg19) VCF-style: chr6-51768527-T-A.
Other names: c.6866-2A>T (NM_138694.3, NM_170724.3).
Identifiers: ClinVar variation 2807389 (VCV002807389.4), dbSNP rs775684274, ClinGen allele CA3852136.